The following continues an entry in ClinVar:

NM_000179.3(MSH6):c.1402C>T (p.Arg468Cys)

Gene: MSH6. ClinVar aggregate classification (germline): Conflicting classifications of pathogenicity. Uncertain significance (13); Benign (1); Likely benign (1).

Submissions 11 to 15 of 15:

Sema4
Classification: Uncertain significance for Hereditary cancer-predisposing syndrome. Last evaluated: 2021-10-04. Review status: criteria provided, single submitter. Criteria: Sema4 Curation Guidelines. Collection method: curation. Allele origin: germline.
Comment: The MSH6 c.1402C>T (p.R468C) variant has been reported in individuals with breast cancer and with suspected Lynch syndrome, without strong evidence for causality (PMID: 25980754, 25186627). This variant was observed in 3/113504 chromosomes in the Non-Finnish European population according to the Genome Aggregation Database (PMID: 32461654). The variant has been reported in ClinVar (Variation ID: 89191). In silico tools suggest the impact of the variant on protein function is deleterious, though these predictions have not been confirmed by functional studies. The evidence is insufficient to meet ACMG/AMP criteria for classifying the variant as benign or pathogenic. Thus, the clinical significance of this variant is currently uncertain.

Women's Health and Genetics/Laboratory Corporation of America, LabCorp
Classification: Uncertain significance. Last evaluated: 2021-03-11. Review status: criteria provided, single submitter. Criteria: LabCorp Variant Classification Summary - May 2015. Collection method: clinical testing. Allele origin: germline.
Comment: Variant summary: MSH6 c.1402C>T (p.Arg468Cys) results in a non-conservative amino acid change located in the DNA mismatch repair protein MutS-like, N-terminal domain (IPR007695) of the encoded protein sequence. Five of five in-silico tools predict a damaging effect of the variant on protein function. The variant allele was found at a frequency of 1.2e-05 in 251136 control chromosomes. The available data on variant occurrences in the general population are insufficient to allow any conclusion about variant significance. c.1402C>T has been reported in the literature in individuals screened for Hereditary Nonpolyposis Colorectal Cancer (e.g. Yurgelun_2015, Gordon_2019) and Hereditary Breast and Ovarian Cancer (e.g. Tung_2015, Tsaousis_2019) without strong evidence for causality. These reports do not provide unequivocal conclusions about association of the variant with Hereditary Nonpolyposis Colorectal Cancer. To our knowledge, no experimental evidence demonstrating an impact on protein function has been reported. Seven other clinical diagnostic laboratories have submitted clinical-significance assessments for this variant to ClinVar after 2014 without evidence for independent evaluation. All laboratories cited the variant as uncertain significance. Based on the evidence outlined above, the variant was classified as uncertain significance.

Laboratory for Molecular Medicine, Mass General Brigham Personalized Medicine
Classification: Uncertain significance. Last evaluated: 2020-05-12. Review status: criteria provided, single submitter. Criteria: LMM Criteria. Collection method: clinical testing. Allele origin: germline. Observed: 1 variant allele.
Comment: The p.Arg468Cys variant in MSH6 has been reported in one individual with suspected Lynch syndrome (Yurgelun 2015 PMID 25980754). This variant has also been reported by other clinical laboratories in ClinVar (Variation ID 89191) and has been identified in 0.003% (3/113504) of European chromosomes by gnomAD. Computational prediction tools and conservation analysis suggest that the p.Arg468Cys variant may impact the protein, though this information is not predictive enough to determine pathogenicity. In summary, the clinical significance of the p.Arg468Cys variant is uncertain. ACMG criteria applied: PM2, PP3.

GeneKor MSA
Classification: Uncertain significance for Hereditary cancer-predisposing syndrome. Last evaluated: 2018-08-01. Review status: criteria provided, single submitter. Criteria: ACMG Guidelines, 2015. Collection method: clinical testing. Allele origin: germline. Affected: yes.

University of Washington Department of Laboratory Medicine, University of Washington
Classification: Uncertain significance for Lynch syndrome. Last evaluated: 2018-05-01. Review status: criteria provided, single submitter. Criteria: Shirts BH et al. (Am J Hum Genet 2018). Collection method: clinical testing. Allele origin: somatic. Affected: yes.
Comment: MSH6 NM_000179.2:c.1402C>T has a 64.4% probability of pathogenicity based on combining prior probability from public data with a likelihood ratio of 0.20 to 1, generated from evidence of seeing this as a somatic mutation in a tumor without loss of heterozygosity at the MSH6 locus. See Shirts et al 2018, PMID 29887214.

Literature cited by the submitters: PubMed 25186627 (cited by 3 submitters); PubMed 29887214 (cited by Ambry Genetics); PubMed 30267214 (cited by Ambry Genetics); PubMed 31159747 (cited by Ambry Genetics and Women's Health and Genetics/Laboratory Corporation of America, LabCorp); PubMed 31422818 (cited by 3 submitters); PubMed 25980754 (cited by 5 submitters); PubMed 27363726 (cited by Myriad Genetics, Inc.); PubMed 23621914 (cited by Women's Health and Genetics/Laboratory Corporation of America, LabCorp); PubMed 26333163 (cited by Women's Health and Genetics/Laboratory Corporation of America, LabCorp).